The following is an entry in ClinVar:

ClinVar aggregate classification (germline): Uncertain significance (1 of 4 stars; one submission).

Conditions:
Juvenile polyposis/hereditary hemorrhagic telangiectasia syndrome (JPHT). Also called: Juvenile Polyposis Syndrome / Hereditary Hemorrhagic Telangiectasia (JPS/HHT); JP/HHT SYNDROME; JUVENILE POLYPOSIS WITH HEREDITARY HEMORRHAGIC TELANGIECTASIA; POLYPOSIS, GENERALIZED JUVENILE, WITH PULMONARY ARTERIOVENOUS MALFORMATION; TELANGIECTASIA, HEREDITARY HEMORRHAGIC, WITH JUVENILE POLYPOSIS COLI. Identifiers: Orphanet 2929, MedGen C1832942, MONDO:0008278, OMIM 175050.

Submission:

All of Us Research Program, National Institutes of Health
Classification: Uncertain significance for Juvenile polyposis/hereditary hemorrhagic telangiectasia syndrome. Last evaluated: 2024-02-05. Review status: criteria provided, single submitter. Criteria: ACMG Guidelines, 2015. Collection method: clinical testing. Allele origin: germline. Inheritance: Autosomal dominant inheritance. Observed: 1 variant allele, 1 heterozygote.
Comment: This missense variant replaces isoleucine with valine at codon 141 of the SMAD4 protein. Computational prediction is inconclusive regarding the impact of this variant on protein structure and function (internally defined REVEL score threshold 0.5 < inconclusive < 0.7, PMID: 27666373). To our knowledge, functional studies have not been reported for this variant. This variant has not been reported in individuals affected with SMAD4-related disorders in the literature. This variant has not been identified in the general population by the Genome Aggregation Database (gnomAD). The available evidence is insufficient to determine the role of this variant in disease conclusively. Therefore, this variant is classified as a Variant of Uncertain Significance.

This study involves interpretation of variants in research participants for the purpose of population health screening. Participant phenotype was not available at the time of variant classification. Additional details can be found in publication PMID: 35346344, PMCID: PMC8962531

NM_005359.6(SMAD4):c.421A>G (p.Ile141Val)

Gene: SMAD4 (SMAD family member 4; plus strand). Cytogenetic location: 18q21.2.
Variant type: single nucleotide variant.
Coding change: c.421A>G on transcript NM_005359.6 (MANE Select); coding-DNA position 421, A replaced by G.
Protein change: p.Ile141Val; replaces isoleucine 141 with valine.
Molecular consequence: missense variant. On other transcripts: non-coding transcript variant (2).
Genome position (GRCh38, 1-based): chr18:51,048,857, A>G. VCF-style: chr18-51048857-A-G. GRCh37 (hg19) VCF-style: chr18-48575227-A-G.
Other names: c.421A>G, p.Ile141Val (NM_001407041.1, NM_001407042.1, NM_001407043.1); short protein forms I141V.
Identifiers: ClinVar variation 3075427 (VCV003075427.1), dbSNP rs2144406327, ClinGen allele CA402458896.
Genomic context (GRCh38, chr18:51,048,857, plus strand): 5'-TTAAAATGTGATAGTGTCTGTGTGAATCCATATCACTACGAACGAGTTGTATCACCTGGA[A>G]TTGGTAAGTAGACTTTGCTTTCATCCTAAGAAACATAAAGGGAAAAGGATCTCAATAGTG-3'
Protein context (NP_005350.1, residues 131-151): YHYERVVSPG[Ile141Val]DLSGLTLQSN